The following is an entry in ClinVar:

NM_001177316.2(SLC34A3):c.561-46_561-45del

Gene: SLC34A3 (solute carrier family 34 member 3; plus strand). Cytogenetic location: 9q34.3.
Variant type: Deletion.
Coding change: c.561-46_561-45del on transcript NM_001177316.2 (MANE Select); 46 bases into the intron before coding-DNA position 561 through 45 bases into the intron before coding-DNA position 561, 2 bases deleted (AG; older notation c.561-46_561-45delAG).
Molecular consequence: intron variant.
Genome position (GRCh38, 1-based): chr9:137,233,163-137,233,164, AG deleted. VCF-style (leftmost placement, unchanged base first): chr9-137233162-CAG-C. GRCh37 (hg19) VCF-style: chr9-140127614-CAG-C.
Other names: c.561-46_561-45del (NM_001177317.2, NM_080877.3).
Identifiers: ClinVar variation 4979093 (VCV004979093.1).

ClinVar aggregate classification (germline): Likely benign (1 of 4 stars; one submission).

Conditions:
SLC34A3-related disorder. Also called: SLC34A3-related condition.

Submission:

PreventionGenetics, part of Exact Sciences
Classification: Likely benign for SLC34A3-related condition. Last evaluated: 2025-01-16. Review status: criteria provided, single submitter. Criteria: ACMG Guidelines, 2015. Collection method: clinical testing. Allele origin: germline.
Comment: This variant is classified as likely benign based on ACMG/AMP sequence variant interpretation guidelines (Richards et al. 2015 PMID: 25741868, with internal and published modifications).